The following is an entry in ClinVar:

NM_001457.4(FLNB):c.2695A>G (p.Ile899Val)

Gene: FLNB (filamin B; plus strand). Cytogenetic location: 3p14.3.
Variant type: single nucleotide variant.
Coding change: c.2695A>G on transcript NM_001457.4 (MANE Select); coding-DNA position 2695, A replaced by G.
Protein change: p.Ile899Val; replaces isoleucine 899 with valine.
Molecular consequence: missense variant.
Genome position (GRCh38, 1-based): chr3:58,112,268, A>G. VCF-style: chr3-58112268-A-G. GRCh37 (hg19) VCF-style: chr3-58097995-A-G.
Other names: c.2695A>G, p.Ile899Val (NM_001164317.2, NM_001164318.2, NM_001164319.2); short protein forms I899V.
Identifiers: ClinVar variation 1477962 (VCV001477962.6), dbSNP rs1378254918, ClinGen allele CA353345989.

ClinVar aggregate classification (germline): Uncertain significance (1 of 4 stars; one submission).

Submission:

Labcorp Genetics (formerly Invitae), Labcorp
Classification: Uncertain significance. Last evaluated: 2021-11-28. Review status: criteria provided, single submitter. Criteria: Invitae Variant Classification Sherloc (09022015). Collection method: clinical testing. Allele origin: germline.
Comment: In summary, the available evidence is currently insufficient to determine the role of this variant in disease. Therefore, it has been classified as a Variant of Uncertain Significance. Advanced modeling of protein sequence and biophysical properties (such as structural, functional, and spatial information, amino acid conservation, physicochemical variation, residue mobility, and thermodynamic stability) performed at Invitae indicates that this missense variant is not expected to disrupt FLNB protein function. This variant has not been reported in the literature in individuals affected with FLNB-related conditions. This variant is not present in population databases (gnomAD no frequency). This sequence change replaces isoleucine, which is neutral and non-polar, with valine, which is neutral and non-polar, at codon 899 of the FLNB protein (p.Ile899Val).